The following is an entry in ClinVar:

ClinVar aggregate classification (germline): Uncertain significance (1 of 4 stars; one submission).

Conditions:
Coloboma, ocular, with or without hearing impairment, cleft lip/palate, and/or impaired intellectual development. Also called: Uveal coloboma-cleft lip and palate-intellectual disability. Identifiers: Orphanet 1473, MedGen C3805432, MONDO:0007355, OMIM 120433.

Submission:

Baylor Genetics
Classification: Uncertain significance for Coloboma, ocular, with or without hearing impairment, cleft lip/palate, and/or impaired intellectual development. Last evaluated: 2018-08-23. Review status: criteria provided, single submitter. Criteria: ACMG Guidelines, 2015. Collection method: clinical testing. Allele origin: paternal. Affected: yes.
Comment: This variant was determined to be of uncertain significance according to ACMG Guidelines, 2015 [PMID:25741868].

NM_001130145.3(YAP1):c.770C>T (p.Ser257Phe)

Gene: YAP1 (Yes1 associated transcriptional regulator; plus strand). Cytogenetic location: 11q22.1.
Variant type: single nucleotide variant.
Coding change: c.770C>T on transcript NM_001130145.3 (MANE Select); coding-DNA position 770, C replaced by T.
Protein change: p.Ser257Phe; replaces serine 257 with phenylalanine.
Molecular consequence: missense variant. On other transcripts: intron variant (4).
Genome position (GRCh38, 1-based): chr11:102,186,099, C>T. VCF-style: chr11-102186099-C-T. GRCh37 (hg19) VCF-style: chr11-102056830-C-T.
Other names: c.770C>T, p.Ser257Phe (NM_001195044.2, NM_001282100.2, NM_001282101.2); c.236C>T, p.Ser79Phe (NM_001195045.2); c.689-19794C>T (NM_001282099.2, NM_001282098.2, NM_001282097.2 and 1 more transcripts); short protein forms S257F, S79F.
Identifiers: ClinVar variation 1033314 (VCV001033314.1), dbSNP rs1947931415, ClinGen allele CA382289335.